The following is an entry in ClinVar:

NM_030653.4(DDX11):c.167G>T (p.Cys56Phe)

Gene: DDX11 (DEAD/H-box helicase 11; plus strand). Cytogenetic location: 12p11.21.
Variant type: single nucleotide variant.
Coding change: c.167G>T on transcript NM_030653.4 (MANE Select); coding-DNA position 167, G replaced by T.
Protein change: p.Cys56Phe; replaces cysteine 56 with phenylalanine.
Molecular consequence: missense variant. On other transcripts: 5 prime UTR variant (4), non-coding transcript variant (4), intron variant (1).
Genome position (GRCh38, 1-based): chr12:31,083,835, G>T. VCF-style: chr12-31083835-G-T. GRCh37 (hg19) VCF-style: chr12-31236769-G-T.
Other names: c.167G>T, p.Cys56Phe (NM_001257144.2, NM_001413692.1, NM_001413693.1 and 6 more transcripts); c.89G>T, p.Cys30Phe (NM_001257145.2, NM_001413697.1, NM_001413698.1 and 1 more transcripts); c.-362G>T (NM_001413703.1); c.-894G>T (NM_001413704.1, NM_001413705.1); c.-712G>T (NM_001413706.1); c.-230-132G>T (NM_001413702.1); short protein forms C30F, C56F.
Identifiers: ClinVar variation 3767722 (VCV003767722.1).

ClinVar aggregate classification (germline): Uncertain significance (1 of 4 stars; one submission).

gnomAD v4.1: 103 of 1,612,042 alleles (0.0064%); highest among the groups gnomAD compares: Non-Finnish European, 0.0086%; no homozygotes.

Submission:

GeneDx
Classification: Uncertain significance. Last evaluated: 2024-09-09. Review status: criteria provided, single submitter. Criteria: GeneDx Variant Classification Process June 2021. Collection method: clinical testing. Allele origin: germline. Affected: yes.
Comment: In silico analysis supports that this missense variant has a deleterious effect on protein structure/function; Has not been previously published as pathogenic or benign to our knowledge